The following is an entry in ClinVar:

ClinVar aggregate classification (germline): Uncertain significance. Review status: criteria provided, multiple submitters, no conflicts (2 of 4 stars). 4 submissions from 4 submitters: Uncertain significance (4). Last evaluated 2025-05-05.

Conditions:
Primary ciliary dyskinesia 7. Also called: CILIARY DYSKINESIA, PRIMARY, 7, WITH OR WITHOUT SITUS INVERSUS. Identifiers: Orphanet 244, MedGen C2678473, MONDO:0012748, OMIM 611884.
Primary ciliary dyskinesia. Also called: Ciliary dyskinesia. Identifiers: Orphanet 244, MedGen C0008780, MONDO:0016575, HP:0012265.

Allele frequency attached by ClinVar (database versions not stated): TOPMed 0.00002; gnomAD 0.00004 and 0.00005; ExAC 0.00001.
gnomAD v4.1: 26 of 1,611,150 alleles (0.0016%); highest among the groups gnomAD compares: Admixed American, 0.012%; no homozygotes.

Submissions (4):

Ambry Genetics
Classification: Uncertain significance for Primary ciliary dyskinesia. Last evaluated: 2025-05-05. Review status: criteria provided, single submitter. Criteria: Ambry Variant Classification Scheme 2023. Collection method: clinical testing. Allele origin: germline.

Blueprint Genetics
Classification: Uncertain significance. Last evaluated: 2024-11-11. Review status: criteria provided, single submitter. Criteria: ACMG Guidelines, 2015. Collection method: clinical testing. Allele origin: germline.

Fulgent Genetics
Classification: Uncertain significance for Primary ciliary dyskinesia 7. Last evaluated: 2021-08-31. Review status: criteria provided, single submitter. Criteria: ACMG Guidelines, 2015. Collection method: clinical testing. Allele origin: unknown.

Labcorp Genetics (formerly Invitae), Labcorp
Classification: Uncertain significance for Primary ciliary dyskinesia. Last evaluated: 2021-08-26. Review status: criteria provided, single submitter. Criteria: Invitae Variant Classification Sherloc (09022015). Collection method: clinical testing. Allele origin: germline.
Comment: This sequence change replaces alanine with glycine at codon 2851 of the DNAH11 protein (p.Ala2851Gly). The alanine residue is highly conserved and there is a small physicochemical difference between alanine and glycine. This variant is present in population databases (rs766265779, ExAC no frequency). This variant has not been reported in the literature in individuals affected with DNAH11-related conditions. Algorithms developed to predict the effect of missense changes on protein structure and function (SIFT, PolyPhen-2, Align-GVGD) all suggest that this variant is likely to be tolerated. In summary, the available evidence is currently insufficient to determine the role of this variant in disease. Therefore, it has been classified as a Variant of Uncertain Significance.

NM_001277115.2(DNAH11):c.8552C>G (p.Ala2851Gly)

Gene: DNAH11 (dynein axonemal heavy chain 11; plus strand). Cytogenetic location: 7p15.3.
Variant type: single nucleotide variant.
Coding change: c.8552C>G on transcript NM_001277115.2 (MANE Select); coding-DNA position 8552, C replaced by G.
Protein change: p.Ala2851Gly; replaces alanine 2851 with glycine.
Molecular consequence: missense variant.
Genome position (GRCh38, 1-based): chr7:21,748,621, C>G. VCF-style: chr7-21748621-C-G. GRCh37 (hg19) VCF-style: chr7-21788239-C-G.
Other names: short protein forms A2851G.
Identifiers: ClinVar variation 525350 (VCV000525350.11), dbSNP rs766265779, ClinGen allele CA4181643.